The following is an entry in ClinVar:

ClinVar aggregate classification (germline): Likely pathogenic (1 of 4 stars; one submission).

Conditions:
CAMK2D-related neurodevelopmental disorder and dilated cardiomyopathy. Identifiers: MedGen CN378761, MONDO:1040008.

Submission:

Victorian Clinical Genetics Services, Murdoch Childrens Research Institute
Classification: Likely pathogenic for CAMK2D-related neurodevelopmental disorder and dilated cardiomyopathy. Last evaluated: 2025-09-29. Review status: criteria provided, single submitter. Criteria: ACMG Guidelines, 2015. Collection method: clinical testing. Allele origin: germline. Affected: yes.
Comment: This variant is classified as Likely pathogenic. Evidence in support of pathogenic classification: Variant is absent from gnomAD (v2, v3 and v4); Missense variant in a region that is highly intolerant to missense variation (high constraint region in DECIPHER); Additional information: Variant is predicted to result in a missense amino acid change from Glu to Lys; This variant is heterozygous; This gene is associated with autosomal dominant disease; This variant has no previous evidence of pathogenicity; No published evidence of segregation with disease has been identified for this variant; No published functional evidence has been identified for this variant; No comparable missense variants have previous evidence for pathogenicity; Missense variant with inconclusive in silico prediction and uninformative conservation; Dominant negative, loss of function and gain of function are known mechanisms of disease in this gene and are associated with CAMK2D-related neurodevelopmental disorder and dilated cardiomyopathy (MONDO:1040008) (PMID: 38272033).

Literature cited by the submitters: PubMed 38272033.

NM_001321571.2(CAMK2D):c.328G>A (p.Glu110Lys)

Gene: CAMK2D (calcium/calmodulin dependent protein kinase II delta; minus strand). Cytogenetic location: 4q26.
Variant type: single nucleotide variant.
Coding change: c.328G>A on transcript NM_001321571.2 (MANE Select); coding-DNA position 328, G replaced by A.
Protein change: p.Glu110Lys; replaces glutamic acid 110 with lysine.
Molecular consequence: missense variant. On other transcripts: 5 prime UTR variant (5).
Genome position (GRCh38, 1-based): chr4:113,552,044, C>T on the plus strand (G>A on the coding strand, the complement: CAMK2D is on the minus strand). VCF-style: chr4-113552044-C-T. GRCh37 (hg19) VCF-style: chr4-114473200-C-T.
Other names: c.328G>A, p.Glu110Lys (NM_001399856.1, NM_001399857.1, NM_001399858.1 and 33 more transcripts); c.211G>A, p.Glu71Lys (NM_001399859.1, NM_001399860.1, NM_001399861.1 and 2 more transcripts); c.-133G>A (NM_001399863.1, NM_001399864.1); c.-261G>A (NM_001399865.1, NM_001321585.2); c.-188G>A (NM_001321578.2); short protein forms E110K, E71K.
Identifiers: ClinVar variation 4531923 (VCV004531923.1).
Genomic context (GRCh38, chr4:113,552,044, plus strand): 5'-TTATTTGAATGTTGAGTCTTGTATCTTGCCCAGGGCAAGTCACTTACCTGGCATCAGCTT[C>T]ACTGTAGTATTCTCTTGCCACTATGTCTTCAAACAGTTCACCTCCAGTAACTCTGGGAAG-3'
Protein context (NP_001308500.1, residues 100-120): EDIVAREYYS[Glu110Lys]ADASHCIQQI